The following is an entry in ClinVar:

NM_005932.4(MIPEP):c.760C>T (p.Leu254Phe)

Gene: MIPEP (mitochondrial intermediate peptidase; minus strand). Cytogenetic location: 13q12.12.
Variant type: single nucleotide variant.
Coding change: c.760C>T on transcript NM_005932.4 (MANE Select); coding-DNA position 760, C replaced by T.
Protein change: p.Leu254Phe; replaces leucine 254 with phenylalanine.
Molecular consequence: missense variant.
Genome position (GRCh38, 1-based): chr13:23,870,039, G>A on the plus strand (C>T on the coding strand, the complement: MIPEP is on the minus strand). VCF-style: chr13-23870039-G-A. GRCh37 (hg19) VCF-style: chr13-24444178-G-A.
Other names: short protein forms L254F.
Identifiers: ClinVar variation 3366180 (VCV003366180.1).

ClinVar aggregate classification (germline): Uncertain significance (1 of 4 stars; one submission).

Submission:

GeneDx
Classification: Uncertain significance. Last evaluated: 2023-10-19. Review status: criteria provided, single submitter. Criteria: GeneDx Variant Classification Process June 2021. Collection method: clinical testing. Allele origin: germline. Affected: yes.
Comment: Not observed at significant frequency in large population cohorts (gnomAD); In silico analysis supports that this missense variant does not alter protein structure/function; Has not been previously published as pathogenic or benign to our knowledge